The following is an entry in ClinVar:

NM_000248.4(MITF):c.23del (p.Asn8fs)

Gene: MITF (melanocyte inducing transcription factor; plus strand). Cytogenetic location: 3p13.
Variant type: Deletion.
Coding change: c.23del on transcript NM_000248.4 (MANE Plus Clinical); coding-DNA position 23, one base deleted (A; older notation c.23delA).
Protein change: p.Asn8fs; shifts the reading frame from asparagine 8.
Molecular consequence: frameshift variant. On other transcripts: intron variant (9).
Genome position (GRCh38, 1-based): chr3:69,936,745, A deleted; the last of 2 consecutive A bases (chr3:69,936,744-69,936,745); deleting either gives the same sequence. VCF-style (leftmost placement, unchanged base first): chr3-69936743-TA-T. GRCh37 (hg19) VCF-style: chr3-69985894-TA-T.
Other names: c.352-1077del (NM_006722.3, NM_001354605.2, NM_001354606.2); c.307-1077del (NM_198177.3); c.23del, p.Asn8fs (NM_001184968.2, NM_198158.3, NM_198178.3); c.304-1077del (NM_001354607.2); c.199-1077del (NM_001354608.2, NM_001184967.2); c.355-1077del (NM_001354604.2, NM_198159.3); short protein forms N8fs.
Identifiers: ClinVar variation 4785836 (VCV004785836.1).

ClinVar aggregate classification (germline): Pathogenic (1 of 4 stars; one submission).

Conditions:
Melanoma, cutaneous malignant, susceptibility to, 8. Also called: MELANOMA AND RENAL CELL CARCINOMA, SUSCEPTIBILITY TO; Cutaneous malignant melanoma 8. Identifiers: Orphanet 293822, MedGen C3152204, MONDO:0013759, OMIM 614456.
Tietz syndrome (TADS). Also called: TIETZ ALBINISM-DEAFNESS SYNDROME; ALBINISM-DEAFNESS OF TIETZ; HYPOPIGMENTATION/DEAFNESS OF TIETZ. Identifiers: Orphanet 42665, MedGen C0391816, MONDO:0007077, OMIM 103500.
Waardenburg syndrome type 2A (WS2A). Also called: WAARDENBURG SYNDROME WITHOUT DYSTOPIA CANTHORUM. Identifiers: Orphanet 3440, MedGen C1860339, MONDO:0008671, OMIM 193510.

Submission:

Labcorp Genetics (formerly Invitae), Labcorp
Classification: Pathogenic for Melanoma, cutaneous malignant, susceptibility to, 8; Waardenburg syndrome type 2A; Tietz syndrome. Last evaluated: 2025-08-11. Review status: criteria provided, single submitter. Criteria: Invitae Variant Classification Sherloc (09022015). Collection method: clinical testing. Allele origin: germline.
Comment: This sequence change creates a premature translational stop signal (p.Asn8Ilefs*25) in the MITF gene. It is expected to result in an absent or disrupted protein product. Loss-of-function variants in MITF are known to be pathogenic (PMID: 8659547, 20127975). This variant is not present in population databases (gnomAD no frequency). This variant has not been reported in the literature in individuals affected with MITF-related conditions. For these reasons, this variant has been classified as Pathogenic.

Literature cited by the submitters: PubMed 8659547; PubMed 20127975.